The following is an entry in ClinVar:

ClinVar aggregate classification (germline): Uncertain significance. Review status: criteria provided, multiple submitters, no conflicts (2 of 4 stars). 2 submissions from 2 submitters: Uncertain significance (2). Last evaluated 2025-01-08.

Conditions:
Myopathy, proximal, and ophthalmoplegia (CMYO6). Also called: CONGENITAL MYOPATHY 6 WITH OPHTHALMOPLEGIA; MYOPATHY WITH CONGENITAL JOINT CONTRACTURES, OPHTHALMOPLEGIA, AND RIMMED VACUOLES; INCLUSION BODY MYOPATHY 3, AUTOSOMAL DOMINANT. Identifiers: Orphanet 363677, Orphanet 79091, MedGen C1854106, MONDO:0011577, OMIM 605637.

Allele frequency attached by ClinVar (database versions not stated): gnomAD exomes below 0.00001; gnomAD 0.00001; TOPMed 0.00001.
gnomAD v4.1: 3 of 1,613,716 alleles (0.00019%); highest among the groups gnomAD compares: Non-Finnish European, 0.00017%; no homozygotes.

Submissions (2):

Labcorp Genetics (formerly Invitae), Labcorp
Classification: Uncertain significance for Myopathy, proximal, and ophthalmoplegia. Last evaluated: 2025-01-08. Review status: criteria provided, single submitter. Criteria: Invitae Variant Classification Sherloc (09022015). Collection method: clinical testing. Allele origin: germline.
Comment: This sequence change replaces lysine, which is basic and polar, with asparagine, which is neutral and polar, at codon 980 of the MYH2 protein (p.Lys980Asn). This variant also falls at the last nucleotide of exon 23, which is part of the consensus splice site for this exon. This variant is not present in population databases (gnomAD no frequency). This variant has not been reported in the literature in individuals affected with MYH2-related conditions. ClinVar contains an entry for this variant (Variation ID: 1056111). An algorithm developed to predict the effect of missense changes on protein structure and function (PolyPhen-2) suggests that this variant is likely to be disruptive. Variants that disrupt the consensus splice site are a relatively common cause of aberrant splicing (PMID: 17576681, 9536098). Algorithms developed to predict the effect of sequence changes on RNA splicing suggest that this variant may disrupt the consensus splice site. In summary, the available evidence is currently insufficient to determine the role of this variant in disease. Therefore, it has been classified as a Variant of Uncertain Significance.

Blueprint Genetics
Classification: Uncertain significance. Last evaluated: 2019-12-09. Review status: criteria provided, single submitter. Criteria: ACMG Guidelines, 2015. Collection method: clinical testing. Allele origin: germline.

Literature cited by the submitters: PubMed 17576681 (cited by Labcorp Genetics (formerly Invitae), Labcorp); PubMed 9536098 (cited by Labcorp Genetics (formerly Invitae), Labcorp).

NM_017534.6(MYH2):c.2940G>C (p.Lys980Asn)

Genes: MYH2 (myosin heavy chain 2; minus strand), MYHAS (myosin heavy chain gene cluster antisense RNA; plus strand). Cytogenetic location: 17p13.1.
Variant type: single nucleotide variant.
Coding change: c.2940G>C on transcript NM_017534.6 (MANE Select); coding-DNA position 2940, G replaced by C.
Protein change: p.Lys980Asn; replaces lysine 980 with asparagine.
Molecular consequence: missense variant.
Genome position (GRCh38, 1-based): chr17:10,529,832, C>G on the plus strand (G>C on the coding strand, the complement: MYH2 is on the minus strand). VCF-style: chr17-10529832-C-G. GRCh37 (hg19) VCF-style: chr17-10433149-C-G.
Other names: c.2940G>C, p.Lys980Asn (NM_001100112.2); short protein forms K980N.
Identifiers: ClinVar variation 1056111 (VCV001056111.6), dbSNP rs2073403461, ClinGen allele CA398141043.